The following is an entry in ClinVar:

NM_001355436.2(SPTB):c.6119_6120del (p.Thr2040fs)

Gene: SPTB (spectrin beta, erythrocytic; minus strand). Cytogenetic location: 14q23.3.
Variant type: Microsatellite.
Coding change: c.6119_6120del on transcript NM_001355436.2 (MANE Select); coding-DNA positions 6119 to 6120, 2 bases deleted (CA; older notation c.6119_6120delCA).
Protein change: p.Thr2040fs; shifts the reading frame from threonine 2040.
Molecular consequence: frameshift variant.
Genome position (GRCh38, 1-based): chr14:64,767,762-64,767,763, TG deleted on the plus strand (CA on the coding strand, the reverse complement: SPTB is on the minus strand); deleting any 2 consecutive bases within chr14:64,767,762-64,767,768 gives the same sequence; the c. name uses the placement nearest the transcript's 3' end. VCF-style (leftmost placement, unchanged base first): chr14-64767761-CTG-C. GRCh37 (hg19) VCF-style: chr14-65234479-CTG-C.
Other names: p.Thr2040Serfs*12; c.6119_6120del, p.Thr2040fs (NM_001024858.4, NM_001355437.2); c.6119_6120delCA (NM_001355436.2); short protein forms T2040fs.
Identifiers: ClinVar variation 1330647 (VCV001330647.14), dbSNP rs2139480757, ClinGen allele CA2580613698.
Genomic context (GRCh38, chr14:64,767,761, plus strand): 5'-AGCTGGCCGTGGACTTCTCAAAAGCCTCATGCCTCTTGATGAGCTTCTCCACACTGTCCA[CTG>C]TGTGTCCAAAGTCCCCGCTGGCCAGGTAGGGCTCCTGGGCAATCAGCCACGCCTCAGCCA-3'

ClinVar aggregate classification (germline): Pathogenic/Likely pathogenic. Review status: criteria provided, multiple submitters, no conflicts (2 of 4 stars). 5 submissions from 5 submitters: Pathogenic (2); Likely pathogenic (3). Last evaluated 2025-03-04.

Submissions (5):

Center for Genomic Medicine, Rigshospitalet, Copenhagen University Hospital
Classification: Likely pathogenic. Last evaluated: 2025-03-04. Review status: criteria provided, single submitter. Criteria: ACMG Guidelines, 2015. Collection method: clinical testing. Allele origin: germline.

Labcorp Genetics (formerly Invitae), Labcorp
Classification: Pathogenic. Last evaluated: 2024-08-02. Review status: criteria provided, single submitter. Criteria: Invitae Variant Classification Sherloc (09022015). Collection method: clinical testing. Allele origin: germline.
Comment: This sequence change creates a premature translational stop signal (p.Thr2040Serfs*12) in the SPTB gene. It is expected to result in an absent or disrupted protein product. Loss-of-function variants in SPTB are known to be pathogenic (PMID: 1391962, 1498324, 8844207, 26830532, 27292444). This variant is not present in population databases (gnomAD no frequency). This variant has not been reported in the literature in individuals affected with SPTB-related conditions. ClinVar contains an entry for this variant (Variation ID: 1330647). For these reasons, this variant has been classified as Pathogenic.

Mayo Clinic Laboratories, Mayo Clinic
Classification: Likely pathogenic. Last evaluated: 2023-07-20. Review status: criteria provided, single submitter. Criteria: ACMG Guidelines, 2015. Collection method: clinical testing. Allele origin: germline. Observed: 1 variant allele.
Comment: PM2_moderate, PVS1

Revvity Omics, Revvity
Classification: Likely pathogenic. Last evaluated: 2023-03-09. Review status: criteria provided, single submitter. Criteria: ACMG Guidelines, 2015. Collection method: clinical testing. Allele origin: germline.

ARUP Laboratories, Molecular Genetics and Genomics, ARUP Laboratories
Classification: Pathogenic. Last evaluated: 2021-05-03. Review status: criteria provided, single submitter. Criteria: ARUP Molecular Germline Variant Investigation Process 2021. Collection method: clinical testing. Allele origin: germline.

Literature cited by the submitters: PubMed 1391962 (cited by Labcorp Genetics (formerly Invitae), Labcorp); PubMed 1498324 (cited by Labcorp Genetics (formerly Invitae), Labcorp); PubMed 8844207 (cited by Labcorp Genetics (formerly Invitae), Labcorp); PubMed 26830532 (cited by Labcorp Genetics (formerly Invitae), Labcorp); PubMed 27292444 (cited by Labcorp Genetics (formerly Invitae), Labcorp).